The following is an entry in ClinVar:

ClinVar aggregate classification (germline): Likely benign. Review status: criteria provided, multiple submitters, no conflicts (2 of 4 stars). 3 submissions from 3 submitters: Likely benign (2). 1 of the submissions does not count toward it. Last evaluated 2025-04-14.

Conditions:
IMPG1-related disorder. Also called: IMPG1-related condition.

Allele frequency attached by ClinVar (database versions not stated): TOPMed below 0.00001; ExAC 0.00001; gnomAD 0.00001; gnomAD exomes 0.00001.
gnomAD v4.1: 13 of 1,474,202 alleles (0.00088%); highest among the groups gnomAD compares: East Asian, 0.016%; no homozygotes.

Submissions (3):

Labcorp Genetics (formerly Invitae), Labcorp
Classification: Likely benign. Last evaluated: 2025-04-14. Review status: criteria provided, single submitter. Criteria: Invitae Variant Classification Sherloc (09022015). Collection method: clinical testing. Allele origin: germline.

Blueprint Genetics
Classification: Likely benign. Last evaluated: 2024-10-30. Review status: criteria provided, single submitter. Criteria: ACMG Guidelines, 2015. Collection method: clinical testing. Allele origin: germline.

PreventionGenetics, part of Exact Sciences
Classification: Likely benign for IMPG1-related condition. Last evaluated: 2020-03-18. Review status: no assertion criteria provided. Collection method: clinical testing. Allele origin: germline. Not counted in ClinVar's aggregate classification.
Comment: This variant is classified as likely benign based on ACMG/AMP sequence variant interpretation guidelines (Richards et al. 2015 PMID: 25741868, with internal and published modifications).

NM_001563.4(IMPG1):c.666+10T>A

Gene: IMPG1 (interphotoreceptor matrix proteoglycan 1; minus strand). Cytogenetic location: 6q14.1.
Variant type: single nucleotide variant.
Coding change: c.666+10T>A on transcript NM_001563.4 (MANE Select); 10 bases into the intron after coding-DNA position 666, T replaced by A.
Molecular consequence: intron variant.
Genome position (GRCh38, 1-based): chr6:76,022,106, A>T on the plus strand (T>A on the coding strand, the complement: IMPG1 is on the minus strand). VCF-style: chr6-76022106-A-T. GRCh37 (hg19) VCF-style: chr6-76731823-A-T.
Other names: c.666+10T>A (NM_001563.3); c.432+10T>A (NM_001282368.2).
Identifiers: ClinVar variation 1640239 (VCV001640239.11), dbSNP rs371230189, ClinGen allele CA3898402.